The following is an entry in ClinVar:

NM_004070.4(CLCNKA):c.754C>T (p.Leu252Phe)

Genes: CLCNKA (chloride voltage-gated channel Ka; plus strand), LOC106501712 (CLCNKA recombination region; plus strand). Cytogenetic location: 1p36.13.
Variant type: single nucleotide variant.
Coding change: c.754C>T on transcript NM_004070.4 (MANE Select); coding-DNA position 754, C replaced by T.
Protein change: p.Leu252Phe; replaces leucine 252 with phenylalanine.
Molecular consequence: missense variant.
Genome position (GRCh38, 1-based): chr1:16,027,408, C>T. VCF-style: chr1-16027408-C-T. GRCh37 (hg19) VCF-style: chr1-16353903-C-T.
Other names: c.754C>T, p.Leu252Phe (NM_001042704.2); c.625C>T, p.Leu209Phe (NM_001257139.2); short protein forms L252F, L209F.
Identifiers: ClinVar variation 64464 (VCV000064464.2), dbSNP rs387907407, ClinGen allele CA216202.

ClinVar aggregate classification (germline): Uncertain significance (0 of 4 stars; one submission).

Allele frequency attached by ClinVar (database versions not stated): gnomAD 0.00001 and 0.00002; 1000 Genomes Project 0.00020; 1000 Genomes Project 30x 0.00031; gnomAD exomes 0.00003 and 0.00004; ExAC 0.00003; TOPMed 0.00005.
gnomAD v4.1: 45 of 1,614,070 alleles (0.0028%); highest among the groups gnomAD compares: Admixed American, 0.038%; 1 homozygote.

Submission:

Martin Pollak Laboratory,  Beth Israel Deaconess Medical Center
Classification: Uncertain significance. Review status: no assertion criteria provided. Collection method: not provided. Allele origin: unknown.
Comment: Lower UCa2+ group
ClinVar note: Converted during submission from unknown to Uncertain significance.